The following is an entry in ClinVar:

ClinVar aggregate classification (germline): Uncertain significance (1 of 4 stars; one submission).

gnomAD v4.1: 1 of 1,196,519 alleles (0.000084%); highest among the groups gnomAD compares: African/African-American, 0.0018%; no homozygotes.

Submission:

GeneDx
Classification: Uncertain significance. Last evaluated: 2023-11-08. Review status: criteria provided, single submitter. Criteria: GeneDx Variant Classification Process June 2021. Collection method: clinical testing. Allele origin: germline. Affected: yes.
Comment: Not observed at significant frequency in large population cohorts (gnomAD); In silico analysis supports that this missense variant has a deleterious effect on protein structure/function; In silico analysis suggests this variant may impact gene splicing. In the absence of RNA/functional studies, the actual effect of this sequence change is unknown.; Has not been previously published as pathogenic or benign to our knowledge

NM_031206.7(LAS1L):c.232A>G (p.Ser78Gly)

Gene: LAS1L (LAS1 like ribosome biogenesis factor; minus strand). Cytogenetic location: Xq12.
Variant type: single nucleotide variant.
Coding change: c.232A>G on transcript NM_031206.7 (MANE Select); coding-DNA position 232, A replaced by G.
Protein change: p.Ser78Gly; replaces serine 78 with glycine.
Molecular consequence: missense variant. On other transcripts: 5 prime UTR variant (1), non-coding transcript variant (1).
Genome position (GRCh38, 1-based): chrX:65,534,484, T>C on the plus strand (A>G on the coding strand, the complement: LAS1L is on the minus strand). VCF-style: chrX-65534484-T-C. GRCh37 (hg19) VCF-style: chrX-64754364-T-C.
Other names: c.232A>G, p.Ser78Gly (NM_001170649.2, NM_001170650.2, NM_001375328.1 and 9 more transcripts); c.-565A>G (NM_001375332.1); short protein forms S78G.
Identifiers: ClinVar variation 3363856 (VCV003363856.1).